The following is an entry in ClinVar:

NM_002109.6(HARS1):c.1252AAG[1] (p.Lys419del)

Gene: HARS1 (histidyl-tRNA synthetase 1; minus strand). Cytogenetic location: 5q31.3.
Variant type: Microsatellite.
Coding change: c.1252AAG[1] on transcript NM_002109.6 (MANE Select); one copy of the 3-base unit AAG starting at c.1252; the reference has two copies in a row; one copy, 3 bases deleted.
Protein change: p.Lys419del; deletes lysine 419.
Molecular consequence: inframe deletion.
Genome position (GRCh38, 1-based): chr5:140,675,071-140,675,073, CTT deleted on the plus strand (AAG on the coding strand, the reverse complement: HARS1 is on the minus strand); deleting any 3 consecutive bases within chr5:140,675,071-140,675,078 gives the same sequence; the position shown is the placement nearest the transcript's 3' end. VCF-style (leftmost placement, unchanged base first): chr5-140675070-GCTT-G. GRCh37 (hg19) VCF-style: chr5-140054655-GCTT-G.
Other names: c.1132AAG[1], p.Lys379del (NM_001258040.3); c.1192AAG[1], p.Lys399del (NM_001258041.3); c.1072AAG[1], p.Lys359del (NM_001258042.3); c.1030AAG[1], p.Lys345del (NM_001289092.2); c.910AAG[1], p.Lys305del (NM_001289093.2); c.1165AAG[1], p.Lys390del (NM_001289094.2); short protein forms K305del, K345del, K390del, K359del, K379del, K399del, K419del.
Identifiers: ClinVar variation 664641 (VCV000664641.8), dbSNP rs779289896, ClinGen allele CA3443865.

ClinVar aggregate classification (germline): Uncertain significance. Review status: criteria provided, multiple submitters, no conflicts (2 of 4 stars). 2 submissions from 2 submitters: Uncertain significance (2). Last evaluated 2025-04-28.

Conditions:
Usher syndrome type 3B. Also called: USHER SYNDROME, TYPE IIIB. Identifiers: MedGen C3281066, MONDO:0013788, OMIM 614504.

Submissions (2):

Labcorp Genetics (formerly Invitae), Labcorp
Classification: Uncertain significance for Usher syndrome type 3B. Last evaluated: 2025-04-28. Review status: criteria provided, single submitter. Criteria: Invitae Variant Classification Sherloc (09022015). Collection method: clinical testing. Allele origin: germline.
Comment: This variant, c.1255_1257del, results in the deletion of 1 amino acid(s) of the HARS protein (p.Lys419del), but otherwise preserves the integrity of the reading frame. This variant is present in population databases (rs779289896, gnomAD 0.008%). This variant has not been reported in the literature in individuals affected with HARS-related conditions. Experimental studies and prediction algorithms are not available or were not evaluated, and the functional significance of this variant is currently unknown. In summary, the available evidence is currently insufficient to determine the role of this variant in disease. Therefore, it has been classified as a Variant of Uncertain Significance.

Ambry Genetics
Classification: Uncertain significance. Last evaluated: 2021-05-19. Review status: criteria provided, single submitter. Criteria: Ambry Variant Classification Scheme 2023. Collection method: clinical testing. Allele origin: germline.
Comment: The c.1255_1257delAAG variant (also known as p.K419del) is located in coding exon 11 of the HARS gene. This variant results from an in-frame AAG deletion at nucleotide positions 1255 to 1257. This results in the in-frame deletion of a lysine at codon 419. This amino acid position is not well conserved in available vertebrate species. In addition, this alteration is predicted to be deleterious by in silico analysis (Choi Y et al. PLoS ONE. 2012; 7(10):e46688). Since supporting evidence is limited at this time, the clinical significance of this alteration remains unclear.